The following is an entry in ClinVar:

ClinVar aggregate classification (germline): Conflicting classifications of pathogenicity. Review status: criteria provided, conflicting classifications (1 of 4 stars). 2 submissions from 2 submitters: Uncertain significance (1); Likely benign (1). Last evaluated 2025-11-11.

Conditions:
Inborn genetic diseases. Identifiers: MedGen C0950123, MeSH D030342.
Fanconi anemia (FA). Also called: Fanconi's anemia. Identifiers: Orphanet 84, MedGen C0015625, MeSH D005199, MONDO:0019391.

Allele frequency attached by ClinVar (database versions not stated): gnomAD exomes below 0.00001.
gnomAD v4.1: 4 of 1,600,888 alleles (0.00025%); highest among the groups gnomAD compares: Non-Finnish European, 0.00034%; no homozygotes.

Submissions (2):

Ambry Genetics
Classification: Likely benign for Inborn genetic diseases. Last evaluated: 2025-11-11. Review status: criteria provided, single submitter. Criteria: Ambry Variant Classification Scheme 2023. Collection method: clinical testing. Allele origin: germline.

Labcorp Genetics (formerly Invitae), Labcorp
Classification: Uncertain significance for Fanconi anemia. Last evaluated: 2023-08-18. Review status: criteria provided, single submitter. Criteria: Invitae Variant Classification Sherloc (09022015). Collection method: clinical testing. Allele origin: germline.
Comment: This variant has not been reported in the literature in individuals affected with FANCM-related conditions. This variant is not present in population databases (gnomAD no frequency). This sequence change replaces tyrosine, which is neutral and polar, with cysteine, which is neutral and slightly polar, at codon 1263 of the FANCM protein (p.Tyr1263Cys). Algorithms developed to predict the effect of missense changes on protein structure and function output the following: SIFT: "Not Available"; PolyPhen-2: "Benign"; Align-GVGD: "Not Available". The cysteine amino acid residue is found in multiple mammalian species, which suggests that this missense change does not adversely affect protein function. In summary, the available evidence is currently insufficient to determine the role of this variant in disease. Therefore, it has been classified as a Variant of Uncertain Significance.

NM_020937.4(FANCM):c.3788A>G (p.Tyr1263Cys)

Gene: FANCM (FA complementation group M; plus strand). Cytogenetic location: 14q21.2.
Variant type: single nucleotide variant.
Coding change: c.3788A>G on transcript NM_020937.4 (MANE Select); coding-DNA position 3788, A replaced by G.
Protein change: p.Tyr1263Cys; replaces tyrosine 1263 with cysteine.
Molecular consequence: missense variant.
Genome position (GRCh38, 1-based): chr14:45,176,542, A>G. VCF-style: chr14-45176542-A-G. GRCh37 (hg19) VCF-style: chr14-45645745-A-G.
Other names: c.3710A>G, p.Tyr1237Cys (NM_001308133.2); short protein forms Y1237C, Y1263C.
Identifiers: ClinVar variation 2969956 (VCV002969956.5), dbSNP rs2503194575, ClinGen allele CA389603029.